The following continues an entry in ClinVar:

NM_000297.4(PKD2):c.1094+1G>A

Gene: PKD2. ClinVar aggregate classification (germline): Pathogenic. Pathogenic (15).

Submissions 13 to 18 of 18:

University of Iowa Renal Genetics Clinic, University of Iowa
Classification: Pathogenic for Polycystic kidney disease 2. Last evaluated: 2020-03-25. Review status: criteria provided, single submitter. Criteria: ACMG Guidelines, 2015. Collection method: clinical testing. Allele origin: germline. Inheritance: Autosomal dominant inheritance. Affected: yes. Observed: 2 hemizygotes. Clinical features observed: Polycystic kidney disease (HP:0000113), Stage 4 chronic kidney disease (HP:0012626).
Comment: This PKD2 gene variant alters a canonical splice site and has been previously reported in two individuals with autosomal dominant polycystic kidney disease (Chung 2006). This variant was also shown to segregate with polycystic kidney disease in two affected relatives. It meets the following ACMG pathogenicity criteria; PVS1, PM2, PP3, PP5.

Cavalleri Lab, Royal College of Surgeons in Ireland
Classification: Pathogenic for Polycystic kidney disease 2. Last evaluated: 2020-02-05. Review status: criteria provided, single submitter. Criteria: ACMG Guidelines, 2015. Collection method: research. Allele origin: unknown. Inheritance: Autosomal dominant inheritance. Affected: yes.
Comment: PVS1, PM2, PP3, PP4, PP5

Cambridge Genomics Laboratory, East Genomic Laboratory Hub, NHS Genomic Medicine Service
Classification: Pathogenic for Renal cyst. Last evaluated: 2019-08-12. Review status: criteria provided, single submitter. Criteria: ACGS Best Practice Guidelines for Variant Classification in Rare Disease 2020. Collection method: clinical testing. Allele origin: germline. Affected: yes. Observed: 1 variant allele.

Bioscientia Institut fuer Medizinische Diagnostik GmbH, Sonic Healthcare
Classification: Pathogenic for Polycystic kidney disease 2. Last evaluated: 2019-12-09. Review status: no assertion criteria provided. Collection method: clinical testing. Allele origin: germline. Affected: yes. Not counted in ClinVar's aggregate classification.

Department of Pathology and Laboratory Medicine, Sinai Health System
Classification: Pathogenic for Polycystic Kidney disease. Review status: no assertion criteria provided. Collection method: clinical testing. Allele origin: unknown. Affected: yes. Study: The Canadian Open Genetics Repository (COGR). Not counted in ClinVar's aggregate classification.
Comment: The PKD2 c.1094+1G>A variant was identified in 3 of 622 proband chromosomes (frequency: 0.005) from individuals or families with ADPKD (Chung 2006, Hwang 2016). The variant was also identified in dbSNP (ID: rs58606740) as â€šÃ„ÃºWith Pathogenic alleleâ€šÃ„Ã¹, ClinVar (1x as pathogenic by GeneDx), LOVD 3.0 (1x), ADPKD Mutation Database (as definitely pathogenic). The variant was not identified in PKD2-LOVD. The variant was not identified in the following control databases: the Exome Aggregation Consortium (August 8th 2016), or the Genome Aggregation Database (Feb 27, 2017). In addition the variant was found to segregate in 2 individuals from Korean families with ADPKD (Chung 2006). The c.1094+1G>A variant is predicted to cause abnormal splicing because the nucleotide substitution occurs in the invariant region of the splice consensus sequence. In addition, 4 of 4 in silico or computational prediction software programs (SpliceSiteFinder, MaxEntScan, NNSPLICE, GeneSplicer) predict a difference in splicing. In summary, based on the above information this variant meets our laboratoryâ€šÃ„Ã´s criteria to be classified as pathogenic.

Dr. Peter K. Rogan Lab, Western University
No classification provided (evidence only). Condition: Uterine corpus endometrial carcinoma. Review status: no classification provided. Collection method: in vitro. Allele origin: not applicable. Functional consequence: retained intron. Not counted in ClinVar's aggregate classification.

Literature cited by the submitters: PubMed 17100995 (cited by 5 submitters); PubMed 22508176 (cited by 3 submitters); PubMed 23300259 (cited by Department of Molecular Genetics, Istishari Arab Hospital and Labcorp Genetics (formerly Invitae), Labcorp); PubMed 27366664 (cited by 5 submitters); PubMed 16199547 (cited by Labcorp Genetics (formerly Invitae), Labcorp); PubMed 17582161 (cited by Labcorp Genetics (formerly Invitae), Labcorp); PubMed 22863349 (cited by Labcorp Genetics (formerly Invitae), Labcorp); PubMed 31328266 (cited by Mayo Clinic Laboratories, Mayo Clinic); PubMed 31514750 (cited by Mayo Clinic Laboratories, Mayo Clinic and Athena Diagnostics); PubMed 33454723 (cited by Mayo Clinic Laboratories, Mayo Clinic); PubMed 36938073 (cited by Mayo Clinic Laboratories, Mayo Clinic).